The following is an entry in ClinVar:

ClinVar aggregate classification (germline): Uncertain significance (1 of 4 stars; one submission).

Conditions:
Primary ciliary dyskinesia 23 (CILD23). Also called: CILIARY DYSKINESIA, PRIMARY, 23, WITH OR WITHOUT SITUS INVERSUS. Identifiers: Orphanet 244, MedGen C3809548, MONDO:0014193, OMIM 615451.

gnomAD v4.1: 32 of 1,613,822 alleles (0.002%); highest among the groups gnomAD compares: East Asian, 0.031%; no homozygotes.

Submission:

Juno Genomics, Hangzhou Juno Genomics, Inc
Classification: Uncertain significance for Primary ciliary dyskinesia 23. Review status: criteria provided, single submitter. Criteria: ACMG Guidelines, 2015. Collection method: clinical testing. Allele origin: germline.
Comment: Absent from controls (or at extremely low frequency if recessive) in Genome Aggregation Database.;For recessive disorders, detected in trans with a pathogenic variant.

NM_018076.5(ODAD2):c.1679C>T (p.Ala560Val)

Gene: ODAD2 (outer dynein arm docking complex subunit 2; minus strand). Cytogenetic location: 10p12.1.
Variant type: single nucleotide variant.
Coding change: c.1679C>T on transcript NM_018076.5 (MANE Select); coding-DNA position 1679, C replaced by T.
Protein change: p.Ala560Val; replaces alanine 560 with valine.
Molecular consequence: missense variant.
Genome position (GRCh38, 1-based): chr10:27,944,286, G>A on the plus strand (C>T on the coding strand, the complement: ODAD2 is on the minus strand). VCF-style: chr10-27944286-G-A. GRCh37 (hg19) VCF-style: chr10-28233215-G-A.
Other names: c.755C>T, p.Ala252Val (NM_001312689.2); c.1679C>T, p.Ala560Val (NM_001290020.2); c.254C>T, p.Ala85Val (NM_001290021.2); short protein forms A85V, A252V, A560V.
Identifiers: ClinVar variation 5007708 (VCV005007708.2).